The following is an entry in ClinVar:

NM_001330078.2(NRXN1):c.2843A>G (p.Asp948Gly)

Gene: NRXN1 (neurexin 1; minus strand). Cytogenetic location: 2p16.3.
Variant type: single nucleotide variant.
Coding change: c.2843A>G on transcript NM_001330078.2 (MANE Select); coding-DNA position 2843, A replaced by G.
Protein change: p.Asp948Gly; replaces aspartic acid 948 with glycine.
Molecular consequence: missense variant.
Genome position (GRCh38, 1-based): chr2:50,497,369, T>C on the plus strand (A>G on the coding strand, the complement: NRXN1 is on the minus strand). VCF-style: chr2-50497369-T-C. GRCh37 (hg19) VCF-style: chr2-50724507-T-C.
Other names: c.2963A>G, p.Asp988Gly (NM_001135659.3); c.2819A>G, p.Asp940Gly (NM_001330077.2, NM_001330082.2); c.2777A>G, p.Asp926Gly (NM_001330083.2, NM_001330084.2); c.2816A>G, p.Asp939Gly (NM_001330085.2); c.2843A>G, p.Asp948Gly (NM_001330086.2, NM_004801.6); c.2732A>G, p.Asp911Gly (NM_001330087.2, NM_001330096.2); c.2762A>G, p.Asp921Gly (NM_001330088.2); c.2840A>G, p.Asp947Gly (NM_001330093.2); and 2 more; short protein forms D988G, D926G, D939G, D944G, D947G, D948G, D911G, D921G.
Identifiers: ClinVar variation 373206 (VCV000373206.1), dbSNP rs1057518283, ClinGen allele CA16042400.
Genomic context (GRCh38, chr2:50,497,369, plus strand): 5'-GCTATTGAACAGGCATGTACTCACCCTTTAACTAATTCAACCACAATAAAGTCATTTCCA[T>C]CCCCACTGTTATATAGAATTAATCCATCTAGGGATGTTGTCTTGAACTGGAAAAAAAGAT-3'
Protein context (NP_001317007.1, residues 938-958): LDGLILYNSG[Asp948Gly]GNDFIVVELV

ClinVar aggregate classification (germline): Uncertain significance (1 of 4 stars; one submission).

Allele frequency attached by ClinVar (database versions not stated): TOPMed below 0.00001.
gnomAD v4.1: 1 of 1,557,094 alleles (0.000064%); highest among the groups gnomAD compares: Non-Finnish European, 0.000087%; no homozygotes.

Submission:

GeneDx
Classification: Uncertain significance. Last evaluated: 2016-12-01. Review status: criteria provided, single submitter. Criteria: GeneDx Variant Classification (06012015). Collection method: clinical testing. Allele origin: germline. Affected: yes.
Comment: The D988G variant in the NRXN1 gene has not been reported previously as a pathogenic variant, nor as a benign variant, to our knowledge. The D988G variant was not observed in approximately 6000 individuals of European and African American ancestry in the NHLBI Exome Sequencing Project, indicating it is not a common benign variant in these populations. The D988G variant is a non-conservative amino acid substitution, which is likely to impact secondary protein structure as these residues differ in polarity, charge, size and/or other properties. This substitution occurs at a position that is conserved across species. In silico analysis predicts this variant is probably damaging to the protein structure/function. We interpret D988G as a variant of uncertain significance.